The following is an entry in ClinVar:

NM_000384.3(APOB):c.13216A>T (p.Lys4406Ter)

Gene: APOB (apolipoprotein B; minus strand). Cytogenetic location: 2p24.1.
Variant type: single nucleotide variant.
Coding change: c.13216A>T on transcript NM_000384.3 (MANE Select); coding-DNA position 13216, A replaced by T.
Protein change: p.Lys4406Ter; replaces lysine 4406 with a stop codon.
Molecular consequence: nonsense.
Genome position (GRCh38, 1-based): chr2:21,002,206, T>A on the plus strand (A>T on the coding strand, the complement: APOB is on the minus strand). VCF-style: chr2-21002206-T-A. GRCh37 (hg19) VCF-style: chr2-21225078-T-A.
Other names: short protein forms K4406*.
Identifiers: ClinVar variation 3769631 (VCV003769631.1).

ClinVar aggregate classification (germline): Uncertain significance (1 of 4 stars; one submission).

Conditions:
Familial hypobetalipoproteinemia 1. Also called: Hypobetalipoproteinemia, normotriglyceridemic; Acanthocytosis with hypobetalipoproteinemia; APOB-Related Familial Hypobetalipoproteinemia. Identifiers: MedGen C4551990, MONDO:0014252, OMIM 615558.
Hypercholesterolemia, autosomal dominant, type B (FHCL2). Also called: APOB-Related Familial Hypercholesterolemia, Autosomal Dominant; Familial Hypercholesterolemia Type B; APOLIPOPROTEIN B-100, FAMILIAL DEFECTIVE; APOLIPOPROTEIN B-100, FAMILIAL LIGAND-DEFECTIVE; HYPERCHOLESTEROLEMIA, FAMILIAL, DUE TO LIGAND-DEFECTIVE APOLIPOPROTEIN B; Familial hypercholesterolemia 2. Identifiers: MedGen C1704417, MONDO:0007751, OMIM 144010.

Submission:

Clinical Genomics Laboratory, Stanford Medicine
Classification: Uncertain significance for Hypercholesterolemia, autosomal dominant, type B; Familial hypobetalipoproteinemia 1. Last evaluated: 2022-05-18. Review status: criteria provided, single submitter. Criteria: ACMG Guidelines, 2015. Collection method: clinical testing. Allele origin: germline. Observed: 1 variant allele, 1 heterozygote.
Comment: The p.Lys4406* variant in the APOB gene has not been previously reported in association with disease. This variant was absent from large population databases, including the Genome Aggregation Database. This variant leads to a premature termination in the last exon of APOB. Premature termination at this location is not predicted to undergo nonsense-mediated decay, increasing the likelihood of an expressed protein, but is expected to remove the last 158 amino acids from the C-terminus of the APOB protein. These data were assessed using the ACMG/AMP variant interpretation guidelines. In summary, the significance of the p.Lys4406* variant is uncertain. Additional information is needed to resolve the significance of this variant. [ACMG evidence codes used: PVS1_Moderate; PM2]